The following is an entry in ClinVar:

NM_012239.6(SIRT3):c.238C>T (p.Arg80Trp)

Gene: SIRT3 (sirtuin 3; minus strand). Cytogenetic location: 11p15.5.
Variant type: single nucleotide variant.
Coding change: c.238C>T on transcript NM_012239.6 (MANE Select); coding-DNA position 238, C replaced by T.
Protein change: p.Arg80Trp; replaces arginine 80 with tryptophan.
Molecular consequence: missense variant. On other transcripts: non-coding transcript variant (4), intron variant (12).
Genome position (GRCh38, 1-based): chr11:236,091, G>A on the plus strand (C>T on the coding strand, the complement: SIRT3 is on the minus strand). VCF-style: chr11-236091-G-A. GRCh37 (hg19) VCF-style: chr11-236091-G-A.
Other names: c.238C>T, p.Arg80Trp (NM_001370310.1, NM_001370312.1, NM_001370314.1); c.-146+600C>T (NM_001370324.1, NM_001370320.1); c.-146+598C>T (NM_001370319.1); c.-10+525C>T (NM_001370317.1); c.-49+525C>T (NM_001370322.1); c.-146+525C>T (NM_001370318.1, NM_001370321.1); c.135+103C>T (NM_001370316.1, NM_001370315.1); c.-146+103C>T (NM_001370325.1, NM_001017524.3, NM_001370323.1); short protein forms R80W.
Identifiers: ClinVar variation 3057000 (VCV003057000.2), dbSNP rs28365927, ClinGen allele CA5771286.

ClinVar aggregate classification (germline): Benign (0 of 4 stars; one submission).

Conditions:
SIRT3-related disorder. Also called: SIRT3-related condition.

Allele frequency attached by ClinVar (database versions not stated): TOPMed 0.12126; ESP Exome Variant Server 0.12202; gnomAD 0.12855; gnomAD exomes 0.14962; 1000 Genomes Project 30x 0.15725; 1000 Genomes Project 0.16014; ExAC 0.27688.
gnomAD v4.1: 230,363 of 1,561,618 alleles (15%); highest among the groups gnomAD compares: South Asian, 34%; 19,156 homozygotes.

Submission:

PreventionGenetics, part of Exact Sciences
Classification: Benign for SIRT3-related condition. Last evaluated: 2019-10-21. Review status: no assertion criteria provided. Collection method: clinical testing. Allele origin: germline.
Comment: This variant is classified as benign based on ACMG/AMP sequence variant interpretation guidelines (Richards et al. 2015 PMID: 25741868, with internal and published modifications).